The following is an entry in ClinVar:

NM_002234.4(KCNA5):c.1695G>A (p.Lys565=)

Gene: KCNA5 (potassium voltage-gated channel subfamily A member 5; plus strand). Cytogenetic location: 12p13.32.
Variant type: single nucleotide variant.
Coding change: c.1695G>A on transcript NM_002234.4 (MANE Select); coding-DNA position 1695, G replaced by A.
Protein change: p.Lys565=; no amino-acid change (lysine 565 retained).
Molecular consequence: synonymous variant.
Genome position (GRCh38, 1-based): chr12:5,045,842, G>A. VCF-style: chr12-5045842-G-A. GRCh37 (hg19) VCF-style: chr12-5155008-G-A.
Identifiers: ClinVar variation 4730986 (VCV004730986.1).

ClinVar aggregate classification (germline): Uncertain significance (1 of 4 stars; one submission).

Conditions:
Atrial fibrillation, familial, 7 (ATFB7). Identifiers: MedGen C2677106, MONDO:0012828, OMIM 612240.

gnomAD v4.1: 1 of 1,614,060 alleles (0.000062%); highest among the groups gnomAD compares: African/African-American, 0.0013%; no homozygotes.

Submission:

Labcorp Genetics (formerly Invitae), Labcorp
Classification: Uncertain significance for Atrial fibrillation, familial, 7. Last evaluated: 2025-11-11. Review status: criteria provided, single submitter. Criteria: Invitae Variant Classification Sherloc (09022015). Collection method: clinical testing. Allele origin: germline.
Comment: This sequence change affects codon 565 of the KCNA5 mRNA. It is a 'silent' change, meaning that it does not change the encoded amino acid sequence of the KCNA5 protein. This variant is present in population databases (rs778527059, gnomAD 0.007%). This variant has not been reported in the literature in individuals affected with KCNA5-related conditions. In summary, the available evidence is currently insufficient to determine the role of this variant in disease. Therefore, it has been classified as a Variant of Uncertain Significance.